The following is an entry in ClinVar:

ClinVar aggregate classification (germline): Uncertain significance. Review status: criteria provided, multiple submitters, no conflicts (2 of 4 stars). 3 submissions from 3 submitters: Uncertain significance (3). Last evaluated 2026-01-15.

Submissions (3):

Dasa
Classification: Uncertain significance. Last evaluated: 2026-01-15. Review status: criteria provided, single submitter. Criteria: DASA Assertion Criteria. Collection method: clinical testing. Allele origin: germline.
Comment: NM_002693.3(POLG):c.149_166del (p.Gln50_Gln55del) is an in-frame deletion predicted to remove amino acids from glutamine at protein position 50 through glutamine at protein position 55 without shifting the reading frame. This variant is rare in population databases. The currently available literature and clinical evidence are not sufficient to establish a definitive association between this variant and the reported condition. Therefore, this variant is classified as a variant of uncertain significance.

Women's Health and Genetics/Laboratory Corporation of America, LabCorp
Classification: Uncertain significance. Last evaluated: 2025-05-08. Review status: criteria provided, single submitter. Criteria: LabCorp Variant Classification Summary - May 2015. Collection method: clinical testing. Allele origin: germline.
Comment: Variant summary: POLG c.149_166del18 (p.Gln50_Gln55del) results in an in-frame deletion that is predicted to remove 6 amino acids from the encoded protein. The variant was absent in 238304 control chromosomes. The available data on variant occurrences in the general population are insufficient to allow any conclusion about variant significance. To our knowledge, no occurrence of c.149_166del18 in individuals affected with POLG-Related Spectrum Disorders and no experimental evidence demonstrating its impact on protein function have been reported. ClinVar contains an entry for this variant (Variation ID: 2683329). Based on the evidence outlined above, the variant was classified as uncertain significance.

Mayo Clinic Laboratories, Mayo Clinic
Classification: Uncertain significance. Last evaluated: 2022-09-28. Review status: criteria provided, single submitter. Criteria: ACMG Guidelines, 2015. Collection method: clinical testing. Allele origin: germline. Observed: 1 variant allele.
Comment: PM2

NM_002693.3(POLG):c.149_166del (p.Gln50_Gln55del)

Genes: POLG (DNA polymerase gamma, catalytic subunit; minus strand), POLGARF (POLG alternative reading frame; minus strand). Cytogenetic location: 15q26.1.
Variant type: Deletion.
Coding change: c.149_166del on transcript NM_002693.3 (MANE Select); coding-DNA positions 149 to 166, 18 bases deleted (AGCAGCAGCAACAGCAGC).
Protein change: p.Gln50_Gln55del.
Molecular consequence: inframe indel (on NM_002693.2).
Genome position (GRCh38, 1-based): chr15:89,333,589-89,333,606, GCTGCTGTTGCTGCTGCT deleted on the plus strand (AGCAGCAGCAACAGCAGC on the coding strand, the reverse complement: POLG is on the minus strand); deleting any 18 consecutive bases within chr15:89,333,589-89,333,613 gives the same sequence; the c. name uses the placement nearest the transcript's 3' end. VCF-style (leftmost placement, unchanged base first): chr15-89333588-GGCTGCTGTTGCTGCTGCT-G. GRCh37 (hg19) VCF-style: chr15-89876819-GGCTGCTGTTGCTGCTGCT-G.
Other names: p.Gln50_Gln55del; c.149_166del, p.Gln50_Gln55del (NM_001126131.2); c.142_159del18, p.Gln50_Gln55del (NM_002693.2); c.149_166del18 (NM_002693.3).
Identifiers: ClinVar variation 2683329 (VCV002683329.4), dbSNP rs773536141, ClinGen allele CA716918017.